The following is an entry in ClinVar:

NM_000051.4(ATM):c.2180G>A (p.Gly727Asp)

Gene: ATM (ATM serine/threonine kinase; plus strand). Cytogenetic location: 11q22.3.
Variant type: single nucleotide variant.
Coding change: c.2180G>A on transcript NM_000051.4 (MANE Select); coding-DNA position 2180, G replaced by A.
Protein change: p.Gly727Asp; replaces glycine 727 with aspartic acid.
Molecular consequence: missense variant.
Genome position (GRCh38, 1-based): chr11:108,256,270, G>A. VCF-style: chr11-108256270-G-A. GRCh37 (hg19) VCF-style: chr11-108126997-G-A.
Other names: c.2180G>A, p.Gly727Asp (NM_001351834.2); short protein forms G727D.
Identifiers: ClinVar variation 955340 (VCV000955340.8), dbSNP rs1446080226, ClinGen allele CA382538834.

ClinVar aggregate classification (germline): Uncertain significance (1 of 4 stars; one submission).

Conditions:
Ataxia-telangiectasia syndrome (AT). Also called: LOUIS-BAR SYNDROME; Ataxia telangiectasia (A-T); Cerebello-oculocutaneous telangiectasia; Immunodeficiency with ataxia telangiectasia; ATAXIA-TELANGIECTASIA, COMPLEMENTATION GROUP A; ATAXIA-TELANGIECTASIA, FRESNO VARIANT. Identifiers: Orphanet 100, MedGen C0004135, MONDO:0008840, OMIM 208900.

Submission:

Labcorp Genetics (formerly Invitae), Labcorp
Classification: Uncertain significance for Ataxia-telangiectasia syndrome. Last evaluated: 2023-10-15. Review status: criteria provided, single submitter. Criteria: Invitae Variant Classification Sherloc (09022015). Collection method: clinical testing. Allele origin: germline.
Comment: This sequence change replaces glycine, which is neutral and non-polar, with aspartic acid, which is acidic and polar, at codon 727 of the ATM protein (p.Gly727Asp). This variant is not present in population databases (gnomAD no frequency). This variant has not been reported in the literature in individuals affected with ATM-related conditions. ClinVar contains an entry for this variant (Variation ID: 955340). An algorithm developed to predict the effect of missense changes on protein structure and function (PolyPhen-2) suggests that this variant is likely to be disruptive. In summary, the available evidence is currently insufficient to determine the role of this variant in disease. Therefore, it has been classified as a Variant of Uncertain Significance.